The following is an entry in ClinVar:

ClinVar aggregate classification (germline): Uncertain significance (1 of 4 stars; one submission).

Submission:

GeneDx
Classification: Uncertain significance. Last evaluated: 2026-02-17. Review status: criteria provided, single submitter. Criteria: GeneDx Variant Classification Process June 2021. Collection method: clinical testing. Allele origin: germline.
Comment: Not observed at significant frequency in large population cohorts (gnomAD); In silico analysis supports that this missense variant has a deleterious effect on protein structure/function; Has not been previously published as pathogenic or benign to our knowledge

NM_080473.5(GATA5):c.119C>T (p.Pro40Leu)

Gene: GATA5 (GATA binding protein 5; minus strand). Cytogenetic location: 20q13.33.
Variant type: single nucleotide variant.
Coding change: c.119C>T on transcript NM_080473.5 (MANE Select); coding-DNA position 119, C replaced by T.
Protein change: p.Pro40Leu; replaces proline 40 with leucine.
Molecular consequence: missense variant.
Genome position (GRCh38, 1-based): chr20:62,475,403, G>A on the plus strand (C>T on the coding strand, the complement: GATA5 is on the minus strand). VCF-style: chr20-62475403-G-A. GRCh37 (hg19) VCF-style: chr20-61050459-G-A.
Other names: short protein forms P40L.
Identifiers: ClinVar variation 5010090 (VCV005010090.1).